The following is an entry in ClinVar:

NM_000174.5(GP9):c.434G>A (p.Arg145His)

Gene: GP9 (glycoprotein IX platelet; plus strand). Cytogenetic location: 3q21.3.
Variant type: single nucleotide variant.
Coding change: c.434G>A on transcript NM_000174.5 (MANE Select); coding-DNA position 434, G replaced by A.
Protein change: p.Arg145His; replaces arginine 145 with histidine.
Molecular consequence: missense variant.
Genome position (GRCh38, 1-based): chr3:129,062,173, G>A. VCF-style: chr3-129062173-G-A. GRCh37 (hg19) VCF-style: chr3-128781016-G-A.
Other names: short protein forms R145H.
Identifiers: ClinVar variation 3356451 (VCV003356451.1).
Genomic context (GRCh38, chr3:129,062,173, plus strand): 5'-GCCGGCTGACAGGCTACCAGCTGGGCAGCTGTGGCTGGCAGCTGCAGGCGTCCTGGGTGC[G>A]CCCGGGGGTCTTGTGGGACGTGGCGCTGGTCGCCGTGGCCGCGCTGGGCCTGGCTCTTCT-3'
Protein context (NP_000165.1, residues 135-155): CGWQLQASWV[Arg145His]PGVLWDVALV

ClinVar aggregate classification (germline): Likely benign (0 of 4 stars; one submission).

Conditions:
GP9-related disorder. Also called: GP9-related condition.

gnomAD v4.1: 194 of 1,576,504 alleles (0.012%); highest among the groups gnomAD compares: South Asian, 0.12%; 2 homozygotes.

Submission:

PreventionGenetics, part of Exact Sciences
Classification: Likely benign for GP9-related condition. Last evaluated: 2024-04-25. Review status: no assertion criteria provided. Collection method: clinical testing. Allele origin: germline.
Comment: This variant is classified as likely benign based on ACMG/AMP sequence variant interpretation guidelines (Richards et al. 2015 PMID: 25741868, with internal and published modifications).